The following is an entry in ClinVar:

ClinVar aggregate classification (germline): Uncertain significance (1 of 4 stars; one submission).

Submission:

Labcorp Genetics (formerly Invitae), Labcorp
Classification: Uncertain significance. Last evaluated: 2020-11-04. Review status: criteria provided, single submitter. Criteria: Invitae Variant Classification Sherloc (09022015). Collection method: clinical testing. Allele origin: germline.
Comment: In summary, the available evidence is currently insufficient to determine the role of this variant in disease. Therefore, it has been classified as a Variant of Uncertain Significance. Algorithms developed to predict the effect of sequence changes on RNA splicing suggest that this variant may create or strengthen a splice site, but this prediction has not been confirmed by published transcriptional studies. Advanced modeling of protein sequence and biophysical properties (such as structural, functional, and spatial information, amino acid conservation, physicochemical variation, residue mobility, and thermodynamic stability) performed at Invitae indicates that this missense variant is not expected to disrupt ABCA4 protein function. This variant has not been reported in the literature in individuals with ABCA4-related conditions. This variant is not present in population databases (ExAC no frequency). This sequence change replaces cysteine with serine at codon 930 of the ABCA4 protein (p.Cys930Ser). The cysteine residue is highly conserved and there is a moderate physicochemical difference between cysteine and serine.

NM_000350.3(ABCA4):c.2788T>A (p.Cys930Ser)

Gene: ABCA4 (ATP binding cassette subfamily A member 4; minus strand). Cytogenetic location: 1p22.1.
Variant type: single nucleotide variant.
Coding change: c.2788T>A on transcript NM_000350.3 (MANE Select); coding-DNA position 2788, T replaced by A.
Protein change: p.Cys930Ser; replaces cysteine 930 with serine.
Molecular consequence: missense variant.
Genome position (GRCh38, 1-based): chr1:94,047,049, A>T on the plus strand (T>A on the coding strand, the complement: ABCA4 is on the minus strand). VCF-style: chr1-94047049-A-T. GRCh37 (hg19) VCF-style: chr1-94512605-A-T.
Other names: c.2566T>A, p.Cys856Ser (NM_001425324.1); short protein forms C930S, C856S.
Identifiers: ClinVar variation 1481329 (VCV001481329.6), dbSNP rs2101057418, ClinGen allele CA341275540.